The following is an entry in ClinVar:

ClinVar aggregate classification (germline): Pathogenic (1 of 4 stars; one submission).

Submission:

GeneDx
Classification: Pathogenic. Last evaluated: 2017-02-10. Review status: criteria provided, single submitter. Criteria: GeneDx Variant Classification (06012015). Collection method: clinical testing. Allele origin: germline. Affected: yes.
Comment: The c.4035delT variant in the COL1A1 gene has not been reported previously as a pathogenic variant nor as a benign variant, to our knowledge. The c.4035delT variant causes a frameshift starting with codon Alanine 346, changes this amino acid to a Proline residue, and creates a premature Stop codon at position 7 of the new reading frame, denoted p.Ala346ProfsX7. This variant is predicted to cause loss of normal protein function either through protein truncation or nonsense-mediated mRNA decay. The c.4035delT variant is not observed in large population cohorts (Lek et al., 2016; 1000 Genomes Consortium et al., 2015; Exome Variant Server). We interpret c.4035delT as a pathogenic variant.

NM_000088.4(COL1A1):c.4035del (p.Ala1346fs)

Gene: COL1A1 (collagen type I alpha 1 chain; minus strand). Cytogenetic location: 17q21.33.
Variant type: Deletion.
Coding change: c.4035del on transcript NM_000088.4 (MANE Select); coding-DNA position 4035, one base deleted (T; older notation c.4035delT).
Protein change: p.Ala1346fs; shifts the reading frame from alanine 1346.
Molecular consequence: frameshift variant.
Genome position (GRCh38, 1-based): chr17:50,185,991, A deleted on the plus strand (T on the coding strand, the reverse complement: COL1A1 is on the minus strand). VCF-style (leftmost placement, unchanged base first): chr17-50185990-CA-C. GRCh37 (hg19) VCF-style: chr17-48263351-CA-C.
Other names: c.4035delT (NM_000088.3); short protein forms A1346fs.
Identifiers: ClinVar variation 423422 (VCV000423422.2), dbSNP rs1064796415, ClinGen allele CA16620470.